The following is an entry in ClinVar:

ClinVar aggregate classification (germline): Uncertain significance (1 of 4 stars; one submission).

Conditions:
Autosomal dominant nocturnal frontal lobe epilepsy 5. Also called: KCNT1-Related Epilepsy; CILIARY DYSKINESIA, PRIMARY, 28, WITHOUT SITUS INVERSUS; CILIARY DYSKINESIA, PRIMARY, 28, WITH SITUS INVERSUS; Epilepsy, nocturnal frontal lobe, 5. Identifiers: Orphanet 98784, MedGen C3554306, MONDO:0014002, OMIM 615005.
Developmental and epileptic encephalopathy, 14 (DEE14). Also called: Early infantile epileptic encephalopathy 14. Identifiers: Orphanet 293181, MedGen C3554195, MONDO:0013989, OMIM 614959.

Submission:

Labcorp Genetics (formerly Invitae), Labcorp
Classification: Uncertain significance for Autosomal dominant nocturnal frontal lobe epilepsy 5; Developmental and epileptic encephalopathy, 14. Last evaluated: 2024-02-06. Review status: criteria provided, single submitter. Criteria: Invitae Variant Classification Sherloc (09022015). Collection method: clinical testing. Allele origin: germline.
Comment: This sequence change replaces aspartic acid, which is acidic and polar, with tyrosine, which is neutral and polar, at codon 1172 of the KCNT1 protein (p.Asp1172Tyr). This variant is not present in population databases (gnomAD no frequency). This variant has not been reported in the literature in individuals affected with KCNT1-related conditions. Advanced modeling of protein sequence and biophysical properties (such as structural, functional, and spatial information, amino acid conservation, physicochemical variation, residue mobility, and thermodynamic stability) performed at Invitae indicates that this missense variant is not expected to disrupt KCNT1 protein function with a negative predictive value of 80%. In summary, the available evidence is currently insufficient to determine the role of this variant in disease. Therefore, it has been classified as a Variant of Uncertain Significance.

NM_020822.3(KCNT1):c.3514G>T (p.Asp1172Tyr)

Gene: KCNT1 (potassium sodium-activated channel subfamily T member 1; plus strand). Cytogenetic location: 9q34.3.
Variant type: single nucleotide variant.
Coding change: c.3514G>T on transcript NM_020822.3 (MANE Select); coding-DNA position 3514, G replaced by T.
Protein change: p.Asp1172Tyr; replaces aspartic acid 1172 with tyrosine.
Molecular consequence: missense variant.
Genome position (GRCh38, 1-based): chr9:135,791,808, G>T. VCF-style: chr9-135791808-G-T. GRCh37 (hg19) VCF-style: chr9-138683654-G-T.
Other names: c.3442G>T, p.Asp1148Tyr (NM_001272003.2); short protein forms D1148Y, D1172Y.
Identifiers: ClinVar variation 3754461 (VCV003754461.2).